The following is an entry in ClinVar:

NM_021008.4(DEAF1):c.380A>C (p.His127Pro)

Gene: DEAF1 (DEAF1 transcription factor; minus strand). Cytogenetic location: 11p15.5.
Variant type: single nucleotide variant.
Coding change: c.380A>C on transcript NM_021008.4 (MANE Select); coding-DNA position 380, A replaced by C.
Protein change: p.His127Pro; replaces histidine 127 with proline.
Molecular consequence: missense variant. On other transcripts: 5 prime UTR variant (1).
Genome position (GRCh38, 1-based): chr11:691,508, T>G on the plus strand (A>C on the coding strand, the complement: DEAF1 is on the minus strand). VCF-style: chr11-691508-T-G. GRCh37 (hg19) VCF-style: chr11-691508-T-G.
Other names: c.380A>C, p.His127Pro (NM_001293634.2); c.-347A>C (NM_001367390.1); short protein forms H127P.
Identifiers: ClinVar variation 2960916 (VCV002960916.3), dbSNP rs757482202, ClinGen allele CA5786579.

ClinVar aggregate classification (germline): Uncertain significance (1 of 4 stars; one submission).

Allele frequency attached by ClinVar (database versions not stated): ExAC 0.00002; TOPMed 0.00002; gnomAD 0.00003.
gnomAD v4.1: 26 of 1,612,630 alleles (0.0016%); no homozygotes.

Submission:

Labcorp Genetics (formerly Invitae), Labcorp
Classification: Uncertain significance. Last evaluated: 2023-03-02. Review status: criteria provided, single submitter. Criteria: Invitae Variant Classification Sherloc (09022015). Collection method: clinical testing. Allele origin: germline.
Comment: In summary, the available evidence is currently insufficient to determine the role of this variant in disease. Therefore, it has been classified as a Variant of Uncertain Significance. Advanced modeling of protein sequence and biophysical properties (such as structural, functional, and spatial information, amino acid conservation, physicochemical variation, residue mobility, and thermodynamic stability) performed at Invitae indicates that this missense variant is expected to disrupt DEAF1 protein function. This variant has not been reported in the literature in individuals affected with DEAF1-related conditions. This variant is present in population databases (rs757482202, gnomAD 0.05%). This sequence change replaces histidine, which is basic and polar, with proline, which is neutral and non-polar, at codon 127 of the DEAF1 protein (p.His127Pro).